The following is an entry in ClinVar:

NM_000540.3(RYR1):c.7835+3_7835+5delinsAGG

Gene: RYR1 (ryanodine receptor 1; plus strand). Cytogenetic location: 19q13.2.
Variant type: Indel.
Coding change: c.7835+3_7835+5delinsAGG on transcript NM_000540.3 (MANE Select); bases 3 to 5 of the intron after coding-DNA position 7835, GGA replaced by AGG.
Molecular consequence: intron variant.
Genome position (GRCh38, 1-based): chr19:38,502,730-38,502,732, GGA replaced by AGG. VCF-style: chr19-38502730-GGA-AGG. GRCh37 (hg19) VCF-style: chr19-38993370-GGA-AGG.
Other names: c.7835+3_7835+5delinsAGG (NM_001042723.2).
Identifiers: ClinVar variation 4759116 (VCV004759116.1).
Genomic context (GRCh38, chr19:38,502,730, plus strand): 5'-GTTCGCTCACCAAGGCGCAGCGTGACGTCATCGAGGACTGCCTCATGTCGCTCTGCAGGT[GGA>AGG]GCGGGGCAGGCTTCAGGGTGGGGCAGGGGCAGGGGCAGGGGCAGGGGCAGGGGCAGGGGC-3'

ClinVar aggregate classification (germline): Uncertain significance (1 of 4 stars; one submission).

Conditions:
Malignant hyperthermia, susceptibility to, 1 (MHS1). Also called: RYR1-Related Malignant Hyperthermia Susceptibility; Malignant hyperthermia suceptibility 1; Anesthesia related hyperthermia; Malignant hyperpyrexia; Fulminating hyperpyrexia; Pharmacogenic myopathy. Identifiers: Orphanet 423, MedGen C2930980, MONDO:0007783, OMIM 145600.

Submission:

Color Diagnostics, LLC DBA Color Health
Classification: Uncertain significance for Malignant hyperthermia, susceptibility to, 1. Last evaluated: 2025-08-05. Review status: criteria provided, single submitter. Criteria: ACMG Guidelines, 2015. Collection method: clinical testing. Allele origin: germline.
Comment: This variant causes a substitution of 3 nucleotides at +3 through +5 position in intron 48 of the RYR1 gene with 3 novel nucleotides. To our knowledge, functional studies have not been reported for this variant. This variant has not been reported in individuals affected with RYR1-related disorders in the literature. This variant has not been identified in the general population by the Genome Aggregation Database (gnomAD). The available evidence is insufficient to determine the role of this variant in disease conclusively. Therefore, this variant is classified as a Variant of Uncertain Significance.